The following is an entry in ClinVar:

ClinVar aggregate classification (germline): Pathogenic (1 of 4 stars; one submission).

Conditions:
Hereditary diffuse gastric adenocarcinoma (HDGC). Also called: DIFFUSE GASTRIC AND LOBULAR BREAST CANCER SYNDROME. Identifiers: Orphanet 26106, MedGen C1708349, MONDO:0007648, OMIM 137215.

Submission:

European Reference Network on Genetic Tumour Risk Syndromes (ERN-GENTURIS), i3s - Instituto de Investigação e Inovação em Saúde, University of Porto
Classification: Pathogenic for Hereditary diffuse gastric adenocarcinoma. Last evaluated: 2022-08-01. Review status: criteria provided, single submitter. Criteria: Lee et al. (Hum Mutat. 2018). Collection method: clinical testing. Allele origin: germline. Inheritance: Autosomal dominant inheritance. Affected: yes. Study: ERN GENTURIS.
Comment: PVS1; PS4_Supporting; PM2 (PMID: 30311375)

Literature cited by the submitters: PubMed 36436516.

NM_004360.5(CDH1):c.1141A>T (p.Lys381Ter)

Gene: CDH1 (cadherin 1; plus strand). Cytogenetic location: 16q22.1.
Variant type: single nucleotide variant.
Coding change: c.1141A>T on transcript NM_004360.5 (MANE Select); coding-DNA position 1141, A replaced by T.
Protein change: p.Lys381Ter; replaces lysine 381 with a stop codon.
Molecular consequence: nonsense. On other transcripts: 5 prime UTR variant (2), intron variant (1).
Genome position (GRCh38, 1-based): chr16:68,813,316, A>T. VCF-style: chr16-68813316-A-T. GRCh37 (hg19) VCF-style: chr16-68847219-A-T.
Other names: c.-475A>T (NM_001317185.2); c.-679A>T (NM_001317186.2); c.1137+1053A>T (NM_001317184.2); short protein forms K381*.
Identifiers: ClinVar variation 2502943 (VCV002502943.1), dbSNP rs756938071, ClinGen allele CA396461000.